The following is an entry in ClinVar:

NM_000135.4(FANCA):c.1776+10C>T

Gene: FANCA (FA complementation group A; minus strand). Cytogenetic location: 16q24.3.
Variant type: single nucleotide variant.
Coding change: c.1776+10C>T on transcript NM_000135.4 (MANE Select); 10 bases into the intron after coding-DNA position 1776, C replaced by T.
Molecular consequence: intron variant.
Genome position (GRCh38, 1-based): chr16:89,778,933, G>A on the plus strand (C>T on the coding strand, the complement: FANCA is on the minus strand). VCF-style: chr16-89778933-G-A. GRCh37 (hg19) VCF-style: chr16-89845341-G-A.
Other names: c.1776+10C>T (NM_001286167.3).
Identifiers: ClinVar variation 703728 (VCV000703728.15), dbSNP rs767506133, ClinGen allele CA8252111.

ClinVar aggregate classification (germline): Conflicting classifications of pathogenicity. Review status: criteria provided, conflicting classifications (1 of 4 stars). 3 submissions from 3 submitters: Uncertain significance (1); Likely benign (1). 1 of the submissions does not count toward it. Last evaluated 2026-02-02.

Conditions:
Fanconi anemia (FA). Also called: Fanconi's anemia. Identifiers: Orphanet 84, MedGen C0015625, MeSH D005199, MONDO:0019391.
Fanconi anemia complementation group A (FANCA). Also called: Fanconi anemia, group A; FANCA-Related Fanconi Anemia. Identifiers: Orphanet 84, MedGen C3469521, MONDO:0009215, OMIM 227650.

Allele frequency attached by ClinVar (database versions not stated): gnomAD exomes 0.00001 and 0.00002; TOPMed 0.00001; gnomAD 0.00001; ExAC 0.00002.
gnomAD v4.1: 12 of 1,613,912 alleles (0.00074%); highest among the groups gnomAD compares: East Asian, 0.0045%; no homozygotes.

Submissions (3):

Dasa
Classification: Uncertain significance. Last evaluated: 2026-02-02. Review status: criteria provided, single submitter. Criteria: DASA Assertion Criteria. Collection method: clinical testing. Allele origin: germline.
Comment: NM_000135.4(FANCA):c.1776+10C>T is a splice-region variant. This variant is rare in population databases. The currently available literature and clinical evidence are not sufficient to establish a definitive association between this variant and the reported condition. Therefore, this variant is classified as a variant of uncertain significance.

Labcorp Genetics (formerly Invitae), Labcorp
Classification: Likely benign for Fanconi anemia. Last evaluated: 2025-12-14. Review status: criteria provided, single submitter. Criteria: Invitae Variant Classification Sherloc (09022015). Collection method: clinical testing. Allele origin: germline.

Natera, Inc.
Classification: Likely benign for Fanconi anemia, group A. Last evaluated: 2020-09-16. Review status: no assertion criteria provided. Collection method: clinical testing. Allele origin: germline. Not counted in ClinVar's aggregate classification.